The following is an entry in ClinVar:

NM_004320.6(ATP2A1):c.2695A>G (p.Met899Val)

Gene: ATP2A1 (ATPase sarcoplasmic/endoplasmic reticulum Ca2+ transporting 1; plus strand). Cytogenetic location: 16p11.2.
Variant type: single nucleotide variant.
Coding change: c.2695A>G on transcript NM_004320.6 (MANE Select); coding-DNA position 2695, A replaced by G.
Protein change: p.Met899Val; replaces methionine 899 with valine.
Molecular consequence: missense variant.
Genome position (GRCh38, 1-based): chr16:28,902,862, A>G. VCF-style: chr16-28902862-A-G. GRCh37 (hg19) VCF-style: chr16-28914183-A-G.
Other names: c.2320A>G, p.Met774Val (NM_001286075.2); c.2695A>G, p.Met899Val (NM_173201.5); short protein forms M899V, M774V.
Identifiers: ClinVar variation 956599 (VCV000956599.7), dbSNP rs373480720, ClinGen allele CA7987354.

ClinVar aggregate classification (germline): Uncertain significance (1 of 4 stars; one submission).

Conditions:
Brody myopathy. Also called: BRODY DISEASE. Identifiers: Orphanet 53347, MedGen C1832918, MONDO:0010977, OMIM 601003.

Allele frequency attached by ClinVar (database versions not stated): gnomAD exomes below 0.00001; ExAC 0.00001; gnomAD 0.00001; TOPMed 0.00002; ESP Exome Variant Server 0.00008.
gnomAD v4.1: 7 of 1,613,754 alleles (0.00043%); highest among the groups gnomAD compares: Non-Finnish European, 0.00059%; no homozygotes.

Submission:

Labcorp Genetics (formerly Invitae), Labcorp
Classification: Uncertain significance for Brody myopathy. Last evaluated: 2022-07-18. Review status: criteria provided, single submitter. Criteria: Invitae Variant Classification Sherloc (09022015). Collection method: clinical testing. Allele origin: germline.
Comment: This sequence change replaces methionine, which is neutral and non-polar, with valine, which is neutral and non-polar, at codon 899 of the ATP2A1 protein (p.Met899Val). This variant is present in population databases (rs373480720, gnomAD 0.0009%). This variant has not been reported in the literature in individuals affected with ATP2A1-related conditions. ClinVar contains an entry for this variant (Variation ID: 956599). Algorithms developed to predict the effect of missense changes on protein structure and function are either unavailable or do not agree on the potential impact of this missense change (SIFT: "Deleterious"; PolyPhen-2: "Probably Damaging"; Align-GVGD: "Class C0"). In summary, the available evidence is currently insufficient to determine the role of this variant in disease. Therefore, it has been classified as a Variant of Uncertain Significance.